The following is an entry in ClinVar:

NM_152424.4(AMER1):c.1524C>A (p.Phe508Leu)

Gene: AMER1 (APC membrane recruitment protein 1; minus strand). Cytogenetic location: Xq11.2.
Variant type: single nucleotide variant.
Coding change: c.1524C>A on transcript NM_152424.4 (MANE Select); coding-DNA position 1524, C replaced by A.
Protein change: p.Phe508Leu; replaces phenylalanine 508 with leucine.
Molecular consequence: missense variant.
Genome position (GRCh38, 1-based): chrX:64,191,763, G>T on the plus strand (C>A on the coding strand, the complement: AMER1 is on the minus strand). VCF-style: chrX-64191763-G-T. GRCh37 (hg19) VCF-style: chrX-63411643-G-T.
Other names: short protein forms F508L.
Identifiers: ClinVar variation 2050227 (VCV002050227.4), dbSNP rs1288332581, ClinGen allele CA413307550.

ClinVar aggregate classification (germline): Uncertain significance (1 of 4 stars; one submission).

Allele frequency attached by ClinVar (database versions not stated): TOPMed below 0.00001; gnomAD exomes 0.00003.
gnomAD v4.1: 29 of 1,211,764 alleles (0.0024%); highest among the groups gnomAD compares: Non-Finnish European, 0.0031%; no homozygotes.

Submission:

Labcorp Genetics (formerly Invitae), Labcorp
Classification: Uncertain significance. Last evaluated: 2022-11-03. Review status: criteria provided, single submitter. Criteria: Invitae Variant Classification Sherloc (09022015). Collection method: clinical testing. Allele origin: germline.
Comment: In summary, the available evidence is currently insufficient to determine the role of this variant in disease. Therefore, it has been classified as a Variant of Uncertain Significance. Algorithms developed to predict the effect of missense changes on protein structure and function are either unavailable or do not agree on the potential impact of this missense change (SIFT: "Tolerated"; PolyPhen-2: "Possibly Damaging"; Align-GVGD: "Class C0"). This variant has not been reported in the literature in individuals affected with AMER1-related conditions. This variant is present in population databases (no rsID available, gnomAD 0.008%), including at least one homozygous and/or hemizygous individual. This sequence change replaces phenylalanine, which is neutral and non-polar, with leucine, which is neutral and non-polar, at codon 508 of the AMER1 protein (p.Phe508Leu).